The following is an entry in ClinVar:

NM_004380.3(CREBBP):c.1232C>G (p.Ser411Cys)

Gene: CREBBP (CREB binding lysine acetyltransferase; minus strand). Cytogenetic location: 16p13.3.
Variant type: single nucleotide variant.
Coding change: c.1232C>G on transcript NM_004380.3 (MANE Select); coding-DNA position 1232, C replaced by G.
Protein change: p.Ser411Cys; replaces serine 411 with cysteine.
Molecular consequence: missense variant. On other transcripts: intron variant (1).
Genome position (GRCh38, 1-based): chr16:3,792,079, G>C on the plus strand (C>G on the coding strand, the complement: CREBBP is on the minus strand). VCF-style: chr16-3792079-G-C. GRCh37 (hg19) VCF-style: chr16-3842080-G-C.
Other names: c.1216+1307C>G (NM_001079846.1); short protein forms S411C.
Identifiers: ClinVar variation 4802898 (VCV004802898.1).

ClinVar aggregate classification (germline): Uncertain significance (1 of 4 stars; one submission).

Conditions:
Rubinstein-Taybi syndrome (RSTS). Identifiers: Orphanet 783, MedGen C0035934, MONDO:0019188.

Submission:

Labcorp Genetics (formerly Invitae), Labcorp
Classification: Uncertain significance for Rubinstein-Taybi syndrome. Last evaluated: 2025-09-10. Review status: criteria provided, single submitter. Criteria: Invitae Variant Classification Sherloc (09022015). Collection method: clinical testing. Allele origin: germline.
Comment: This sequence change replaces serine, which is neutral and polar, with cysteine, which is neutral and slightly polar, at codon 411 of the CREBBP protein (p.Ser411Cys). This variant is not present in population databases (gnomAD no frequency). This variant has not been reported in the literature in individuals affected with CREBBP-related conditions. Invitae Evidence Modeling of protein sequence and biophysical properties (such as structural, functional, and spatial information, amino acid conservation, physicochemical variation, residue mobility, and thermodynamic stability) indicates that this missense variant is expected to disrupt CREBBP protein function with a positive predictive value of 95%. In summary, the available evidence is currently insufficient to determine the role of this variant in disease. Therefore, it has been classified as a Variant of Uncertain Significance.